The following is an entry in ClinVar:

ClinVar aggregate classification (germline): Uncertain significance. Review status: criteria provided, multiple submitters, no conflicts (2 of 4 stars). 2 submissions from 2 submitters: Uncertain significance (2). Last evaluated 2026-03-22.

Conditions:
Hereditary cancer-predisposing syndrome. Also called: Hereditary neoplastic syndrome; Neoplastic Syndromes, Hereditary; Tumor predisposition; Hereditary Cancer Syndrome. Identifiers: Orphanet 140162, MedGen C0027672, MeSH D009386, MONDO:0015356.

Submissions (2):

Ambry Genetics
Classification: Uncertain significance for Hereditary cancer-predisposing syndrome. Last evaluated: 2026-03-22. Review status: criteria provided, single submitter. Criteria: Ambry Variant Classification Scheme 2023. Collection method: clinical testing. Allele origin: germline.
Comment: The p.L1114F variant (also known as c.3340C>T), located in coding exon 27 of the POLE gene, results from a C to T substitution at nucleotide position 3340. The leucine at codon 1114 is replaced by phenylalanine, an amino acid with highly similar properties. This amino acid position is highly conserved in available vertebrate species. In addition, the in silico prediction for this alteration is inconclusive. Based on the available evidence, the clinical significance of this variant remains unclear.

Labcorp Genetics (formerly Invitae), Labcorp
Classification: Uncertain significance. Last evaluated: 2022-09-01. Review status: criteria provided, single submitter. Criteria: Invitae Variant Classification Sherloc (09022015). Collection method: clinical testing. Allele origin: germline.
Comment: In summary, the available evidence is currently insufficient to determine the role of this variant in disease. Therefore, it has been classified as a Variant of Uncertain Significance. Algorithms developed to predict the effect of missense changes on protein structure and function are either unavailable or do not agree on the potential impact of this missense change (SIFT: "Tolerated"; PolyPhen-2: "Probably Damaging"; Align-GVGD: "Class C0"). ClinVar contains an entry for this variant (Variation ID: 1037874). This variant has not been reported in the literature in individuals affected with POLE-related conditions. This variant is not present in population databases (gnomAD no frequency). This sequence change replaces leucine, which is neutral and non-polar, with phenylalanine, which is neutral and non-polar, at codon 1114 of the POLE protein (p.Leu1114Phe).

NM_006231.4(POLE):c.3340C>T (p.Leu1114Phe)

Gene: POLE (DNA polymerase epsilon, catalytic subunit; minus strand). Cytogenetic location: 12q24.33.
Variant type: single nucleotide variant.
Coding change: c.3340C>T on transcript NM_006231.4 (MANE Select); coding-DNA position 3340, C replaced by T.
Protein change: p.Leu1114Phe; replaces leucine 1114 with phenylalanine.
Molecular consequence: missense variant.
Genome position (GRCh38, 1-based): chr12:132,657,906, G>A on the plus strand (C>T on the coding strand, the complement: POLE is on the minus strand). VCF-style: chr12-132657906-G-A. GRCh37 (hg19) VCF-style: chr12-133234492-G-A.
Other names: c.3340C>T (NM_006231.2); short protein forms L1114F.
Identifiers: ClinVar variation 1037874 (VCV001037874.7), dbSNP rs2042581877, ClinGen allele CA387389656.
Genomic context (GRCh38, chr12:132,657,906, plus strand): 5'-AGAGAACGCAACTGGCACTCACTGCTCGAATATCAAAGTCTTGAAGGGAAGAGCTCTTGA[G>A]CCATTTCCGGAGAAAGTGCTTCCTCACCGTGGGCTCTGCTTGGAAAATGGCAAGTGGGAT-3'
Protein context (NP_006222.2, residues 1104-1124): TVRKHFLRKW[Leu1114Phe]KSSSLQDFDI